The following is an entry in ClinVar:

ClinVar aggregate classification (germline): Uncertain significance. Review status: criteria provided, multiple submitters, no conflicts (2 of 4 stars). 2 submissions from 2 submitters: Uncertain significance (2). Last evaluated 2025-06-04.

Conditions:
Arrhythmogenic cardiomyopathy with wooly hair and keratoderma. Also called: Carvajal syndrome; Dilated cardiomyopathy with woolly hair and keratoderma; Arrhythmogenic cardiomyopathy with woolly hair and keratoderma; PALMOPLANTAR KERATODERMA WITH LEFT VENTRICULAR CARDIOMYOPATHY AND WOOLLY HAIR. Identifiers: Orphanet 65282, MedGen C1854063, MONDO:0011581, OMIM 605676.
Arrhythmogenic right ventricular dysplasia 8 (ARVD8). Also called: ARRHYTHMOGENIC RIGHT VENTRICULAR DYSPLASIA, FAMILIAL, 8; ARRHYTHMOGENIC RIGHT VENTRICULAR CARDIOMYOPATHY 8; Arrhythmogenic Right Ventricular Dysplasia/Cardiomyopathy 8. Identifiers: MedGen C1843896, MONDO:0011831, OMIM 607450.

Submissions (2):

GeneDx
Classification: Uncertain significance. Last evaluated: 2025-06-04. Review status: criteria provided, single submitter. Criteria: GeneDx Variant Classification Process June 2021. Collection method: clinical testing. Allele origin: germline. Affected: yes.
Comment: Not observed at significant frequency in large population cohorts (gnomAD); In silico analysis supports that this missense variant has a deleterious effect on protein structure/function; Has not been previously published as pathogenic or benign to our knowledge

Labcorp Genetics (formerly Invitae), Labcorp
Classification: Uncertain significance for Arrhythmogenic cardiomyopathy with wooly hair and keratoderma; Arrhythmogenic right ventricular dysplasia 8. Last evaluated: 2024-06-11. Review status: criteria provided, single submitter. Criteria: Invitae Variant Classification Sherloc (09022015). Collection method: clinical testing. Allele origin: germline.
Comment: This sequence change replaces glutamic acid, which is acidic and polar, with glycine, which is neutral and non-polar, at codon 323 of the DSP protein (p.Glu323Gly). This variant is not present in population databases (gnomAD no frequency). This variant has not been reported in the literature in individuals affected with DSP-related conditions. ClinVar contains an entry for this variant (Variation ID: 421859). An algorithm developed to predict the effect of missense changes on protein structure and function (PolyPhen-2) suggests that this variant is likely to be disruptive. This variant disrupts the p.Glu323 amino acid residue in DSP. Other variant(s) that disrupt this residue have been determined to be pathogenic (PMID: 33460606; Invitae). This suggests that this residue is clinically significant, and that variants that disrupt this residue are likely to be disease-causing. In summary, the available evidence is currently insufficient to determine the role of this variant in disease. Therefore, it has been classified as a Variant of Uncertain Significance.

Literature cited by the submitters: PubMed 33460606 (cited by Labcorp Genetics (formerly Invitae), Labcorp).

NM_004415.4(DSP):c.968A>G (p.Glu323Gly)

Gene: DSP (desmoplakin; plus strand). Cytogenetic location: 6p24.3.
Variant type: single nucleotide variant.
Coding change: c.968A>G on transcript NM_004415.4 (MANE Select); coding-DNA position 968, A replaced by G.
Protein change: p.Glu323Gly; replaces glutamic acid 323 with glycine.
Molecular consequence: missense variant.
Genome position (GRCh38, 1-based): chr6:7,566,405, A>G. VCF-style: chr6-7566405-A-G. GRCh37 (hg19) VCF-style: chr6-7566638-A-G.
Other names: c.968A>G (LRG_423t1); c.968A>G, p.Glu323Gly (NM_001008844.3, NM_001319034.2); short protein forms E323G.
Identifiers: ClinVar variation 421859 (VCV000421859.8), dbSNP rs1064795408, ClinGen allele CA16618314.